The following is an entry in ClinVar:

ClinVar aggregate classification (germline): Likely benign. Review status: criteria provided, multiple submitters, no conflicts (2 of 4 stars). 2 submissions from 2 submitters: Likely benign (2). Last evaluated 2026-02-20.

Conditions:
Metachromatic leukodystrophy (MLD). Also called: METACHROMATIC LEUKOENCEPHALOPATHY; Cerebral sclerosis diffuse metachromatic form; ARSA DEFICIENCY; Arylsulfatase A Deficiency; CEREBROSIDE SULFATASE DEFICIENCY; SULFATIDE LIPIDOSIS. Identifiers: Orphanet 512, MedGen C0023522, MONDO:0018868, OMIM 250100.
ARSA-related disorder. Also called: ARSA-related condition.

Allele frequency attached by ClinVar (database versions not stated): gnomAD exomes 0.00001 and 0.00003; gnomAD 0.00002; TOPMed 0.00003.
gnomAD v4.1: 55 of 1,608,328 alleles (0.0034%); highest among the groups gnomAD compares: Middle Eastern, 0.017%; no homozygotes.

Submissions (2):

PreventionGenetics, part of Exact Sciences
Classification: Likely benign for ARSA-related condition. Last evaluated: 2026-02-20. Review status: criteria provided, single submitter. Criteria: ACMG Guidelines, 2015. Collection method: clinical testing. Allele origin: germline.
Comment: This variant is classified as likely benign based on ACMG/AMP sequence variant interpretation guidelines (Richards et al. 2015 PMID: 25741868, with internal and published modifications).

Labcorp Genetics (formerly Invitae), Labcorp
Classification: Likely benign for Metachromatic leukodystrophy. Last evaluated: 2025-04-14. Review status: criteria provided, single submitter. Criteria: Invitae Variant Classification Sherloc (09022015). Collection method: clinical testing. Allele origin: germline.

NM_000487.6(ARSA):c.1455C>T (p.Pro485=)

Gene: ARSA (arylsulfatase A; minus strand). Cytogenetic location: 22q13.33.
Variant type: single nucleotide variant.
Coding change: c.1455C>T on transcript NM_000487.6 (MANE Select); coding-DNA position 1455, C replaced by T.
Protein change: p.Pro485=; no amino-acid change (proline 485 retained).
Molecular consequence: synonymous variant.
Genome position (GRCh38, 1-based): chr22:50,625,220, G>A on the plus strand (C>T on the coding strand, the complement: ARSA is on the minus strand). VCF-style: chr22-50625220-G-A. GRCh37 (hg19) VCF-style: chr22-51063648-G-A.
Other names: c.1455C>T, p.Pro485= (NM_001085425.3, NM_001085426.3, NM_001085427.3); c.1197C>T, p.Pro399= (NM_001085428.3, NM_001362782.2).
Identifiers: ClinVar variation 729949 (VCV000729949.11), dbSNP rs903106180, ClinGen allele CA325531174.
Genomic context (GRCh38, chr22:50,625,220, plus strand): 5'-TGGGCAATGGCAGCAAGCTGGGCGGGGGGTGCAGCCAGGATGACAGCAGATCTGCAGGGC[G>A]GGGTCCTCGCCCCGGGCCACCTGGCTGGGGCCGAAGGTCACAGCTGCGTCTAACTGGGCC-3'
Protein context (NP_000478.3, residues 475-495): GPSQVARGED[Pro485=]ALQICCHPGC